The following is an entry in ClinVar:

ClinVar aggregate classification (germline): Uncertain significance (1 of 4 stars; one submission).

Submission:

Dasa
Classification: Uncertain significance. Last evaluated: 2025-02-18. Review status: criteria provided, single submitter. Criteria: DASA Assertion Criteria. Collection method: clinical testing. Allele origin: germline.
Comment: NM_030665.4(RAI1):c.3685A>C (p.Met1229Leu) is a missense variant that results in the substitution of methionine with leucine. This variant is absent from population databases. Computational prediction algorithms are consistent with a benign effect. The currently available literature and clinical evidence are not sufficient to establish a definitive association between this variant and the reported condition. Therefore, this variant is classified as a variant of uncertain significance.

NM_030665.4(RAI1):c.3685A>C (p.Met1229Leu)

Gene: RAI1 (retinoic acid induced 1; plus strand). Cytogenetic location: 17p11.2.
Variant type: single nucleotide variant.
Coding change: c.3685A>C on transcript NM_030665.4 (MANE Select); coding-DNA position 3685, A replaced by C.
Protein change: p.Met1229Leu; replaces methionine 1229 with leucine.
Molecular consequence: missense variant.
Genome position (GRCh38, 1-based): chr17:17,796,633, A>C. VCF-style: chr17-17796633-A-C. GRCh37 (hg19) VCF-style: chr17-17699947-A-C.
Other names: short protein forms M1229L.
Identifiers: ClinVar variation 5021000 (VCV005021000.1).